The following is an entry in ClinVar:

ClinVar aggregate classification (germline): Uncertain significance (0 of 4 stars; one submission).

Conditions:
MYT1L-related disorder. Also called: MYT1L-related condition.

Allele frequency attached by ClinVar (database versions not stated): gnomAD 0.00001; gnomAD exomes 0.00001; TOPMed 0.00002.
gnomAD v4.1: 13 of 1,613,716 alleles (0.00081%); highest among the groups gnomAD compares: Non-Finnish European, 0.0011%; no homozygotes.

Submission:

PreventionGenetics, part of Exact Sciences
Classification: Uncertain significance for MYT1L-related condition. Last evaluated: 2023-12-12. Review status: no assertion criteria provided. Collection method: clinical testing. Allele origin: germline.
Comment: The MYT1L c.578A>G variant is predicted to result in the amino acid substitution p.Glu193Gly. To our knowledge, this variant has not been reported in the literature or in a large population database, indicating this variant is rare. At this time, the clinical significance of this variant is uncertain due to the absence of conclusive functional and genetic evidence.

NM_001303052.2(MYT1L):c.578A>G (p.Glu193Gly)

Gene: MYT1L (myelin transcription factor 1 like; minus strand). Cytogenetic location: 2p25.3.
Variant type: single nucleotide variant.
Coding change: c.578A>G on transcript NM_001303052.2 (MANE Select); coding-DNA position 578, A replaced by G.
Protein change: p.Glu193Gly; replaces glutamic acid 193 with glycine.
Molecular consequence: missense variant.
Genome position (GRCh38, 1-based): chr2:1,923,191, T>C on the plus strand (A>G on the coding strand, the complement: MYT1L is on the minus strand). VCF-style: chr2-1923191-T-C. GRCh37 (hg19) VCF-style: chr2-1926963-T-C.
Other names: c.578A>G, p.Glu193Gly (NM_001329844.2, NM_001329845.1, NM_001329846.3 and 6 more transcripts); short protein forms E193G.
Identifiers: ClinVar variation 3061408 (VCV003061408.2), dbSNP rs1354027562, ClinGen allele CA345707690.